The following is an entry in ClinVar:

NM_001854.4(COL11A1):c.4417C>T (p.Arg1473Ter)

Gene: COL11A1 (collagen type XI alpha 1 chain; minus strand). Cytogenetic location: 1p21.1.
Variant type: single nucleotide variant.
Coding change: c.4417C>T on transcript NM_001854.4 (MANE Select); coding-DNA position 4417, C replaced by T.
Protein change: p.Arg1473Ter; replaces arginine 1473 with a stop codon.
Molecular consequence: nonsense. On other transcripts: non-coding transcript variant (1).
Genome position (GRCh38, 1-based): chr1:102,889,502, G>A on the plus strand (C>T on the coding strand, the complement: COL11A1 is on the minus strand). VCF-style: chr1-102889502-G-A. GRCh37 (hg19) VCF-style: chr1-103355058-G-A.
Other names: c.4069C>T, p.Arg1357Ter (NM_001168249.1, NM_080630.4); c.4300C>T, p.Arg1434Ter (NM_001190709.2); c.4453C>T, p.Arg1485Ter (NM_080629.3); c.4417C>T (NM_001854.3); short protein forms R1357*, R1434*, R1473*, R1485*.
Identifiers: ClinVar variation 2780589 (VCV002780589.5), dbSNP rs1185917760, ClinGen allele CA341212671.

ClinVar aggregate classification (germline): Pathogenic. Review status: criteria provided, multiple submitters, no conflicts (2 of 4 stars). 2 submissions from 2 submitters: Pathogenic (2). Last evaluated 2026-09-19.

gnomAD v4.1: 3 of 1,612,900 alleles (0.00019%); highest among the groups gnomAD compares: Non-Finnish European, 0.00025%; no homozygotes.

Submissions (2):

GeneDx
Classification: Pathogenic. Last evaluated: 2026-09-19. Review status: criteria provided, single submitter. Criteria: GeneDx Variant Classification Process June 2021. Collection method: clinical testing. Allele origin: germline.
Comment: Not observed at significant frequency in large population cohorts (gnomAD); Has not been previously published as pathogenic or benign to our knowledge; Nonsense variant predicted to result in protein truncation or nonsense mediated decay in a gene for which loss of function is a known mechanism of disease

Labcorp Genetics (formerly Invitae), Labcorp
Classification: Pathogenic. Last evaluated: 2025-03-30. Review status: criteria provided, single submitter. Criteria: Invitae Variant Classification Sherloc (09022015). Collection method: clinical testing. Allele origin: germline.
Comment: This sequence change creates a premature translational stop signal (p.Arg1473*) in the COL11A1 gene. It is expected to result in an absent or disrupted protein product. Loss-of-function variants in COL11A1 are known to be pathogenic (PMID: 20513134, 21035103, 23922384, 25240749, 32427345, 32756486). This variant is not present in population databases (gnomAD no frequency). This variant has not been reported in the literature in individuals affected with COL11A1-related conditions. ClinVar contains an entry for this variant (Variation ID: 2780589). For these reasons, this variant has been classified as Pathogenic.

Literature cited by the submitters: PubMed 20513134 (cited by Labcorp Genetics (formerly Invitae), Labcorp); PubMed 21035103 (cited by Labcorp Genetics (formerly Invitae), Labcorp); PubMed 23922384 (cited by Labcorp Genetics (formerly Invitae), Labcorp); PubMed 25240749 (cited by Labcorp Genetics (formerly Invitae), Labcorp); PubMed 32427345 (cited by Labcorp Genetics (formerly Invitae), Labcorp); PubMed 32756486 (cited by Labcorp Genetics (formerly Invitae), Labcorp).